The following is an entry in ClinVar:

NM_024675.4(PALB2):c.1238C>A (p.Thr413Lys)

Gene: PALB2 (partner and localizer of BRCA2; minus strand). Cytogenetic location: 16p12.2.
Variant type: single nucleotide variant.
Coding change: c.1238C>A on transcript NM_024675.4 (MANE Select); coding-DNA position 1238, C replaced by A.
Protein change: p.Thr413Lys; replaces threonine 413 with lysine.
Molecular consequence: missense variant.
Genome position (GRCh38, 1-based): chr16:23,635,308, G>T on the plus strand (C>A on the coding strand, the complement: PALB2 is on the minus strand). VCF-style: chr16-23635308-G-T. GRCh37 (hg19) VCF-style: chr16-23646629-G-T.
Other names: short protein forms T413K.
Identifiers: ClinVar variation 233127 (VCV000233127.6), dbSNP rs876660213, ClinGen allele CA10580016.
Genomic context (GRCh38, chr16:23,635,308, plus strand): 5'-AAATGACTCTGAATGACAGCCTCCACGGCTACTTTCCTCTGGCAATTGGACATGCTTCGT[G>T]TTGTTCTAACATAATATTCTGCAGGAAACAGAAGGCCTTCAGGCACTGTGCAAGAATGTT-3'
Protein context (NP_078951.2, residues 403-423): LFPAEYYVRT[Thr413Lys]RSMSNCQRKV

ClinVar aggregate classification (germline): Uncertain significance (1 of 4 stars; one submission).

Conditions:
Hereditary cancer-predisposing syndrome. Also called: Neoplastic Syndromes, Hereditary; Tumor predisposition; Hereditary Cancer Syndrome; Hereditary neoplastic syndrome. Identifiers: Orphanet 140162, MedGen C0027672, MeSH D009386, MONDO:0015356.

Submission:

Ambry Genetics
Classification: Uncertain significance for Hereditary cancer-predisposing syndrome. Last evaluated: 2024-04-02. Review status: criteria provided, single submitter. Criteria: Ambry Variant Classification Scheme 2023. Collection method: clinical testing. Allele origin: germline.
Comment: The p.T413K variant (also known as c.1238C>A), located in coding exon 4 of the PALB2 gene, results from a C to A substitution at nucleotide position 1238. The threonine at codon 413 is replaced by lysine, an amino acid with similar properties. This alteration was found to be functional in a homology-directed DNA repair (HDR) assay (Wiltshire T et al. Genet. Med., 2020 Mar;22:622-632). This amino acid position is highly conserved in available vertebrate species. In addition, the in silico prediction for this alteration is inconclusive. Since supporting evidence is limited at this time, the clinical significance of this alteration remains unclear.

Literature cited by the submitters: PubMed 31636395.